The following is an entry in ClinVar:

ClinVar aggregate classification (germline): Conflicting classifications of pathogenicity. Review status: criteria provided, conflicting classifications (1 of 4 stars). 4 submissions from 4 submitters: Uncertain significance (1); Likely benign (3). Last evaluated 2025-09-24.

Conditions:
Deficiency of alpha-mannosidase (MANSA). Also called: LYSOSOMAL ALPHA-D-MANNOSIDASE DEFICIENCY; Alpha-Mannosidosis; Mannosidosis, alpha-, types I and II. Identifiers: Orphanet 61, MedGen C0024748, MONDO:0009561, OMIM 248500.

Allele frequency attached by ClinVar (database versions not stated): gnomAD 0.00001; gnomAD exomes 0.00003; ExAC 0.00017.
gnomAD v4.1: 33 of 1,536,700 alleles (0.0021%); highest among the groups gnomAD compares: Middle Eastern, 0.022%; 1 homozygote.

Submissions (4):

Labcorp Genetics (formerly Invitae), Labcorp
Classification: Likely benign for Deficiency of alpha-mannosidase. Last evaluated: 2025-09-24. Review status: criteria provided, single submitter. Criteria: Invitae Variant Classification Sherloc (09022015). Collection method: clinical testing. Allele origin: germline.

CeGaT Center for Human Genetics Tuebingen
Classification: Likely benign. Last evaluated: 2023-05-01. Review status: criteria provided, single submitter. Criteria: CeGaT Center For Human Genetics Tuebingen Variant Classification Criteria Version 2. Collection method: clinical testing. Allele origin: germline. Affected: yes. Observed: 1 variant allele.
Comment: MAN2B1: BP4, BP7

Genome-Nilou Lab
Classification: Likely benign for Deficiency of alpha-mannosidase. Last evaluated: 2021-09-05. Review status: criteria provided, single submitter. Criteria: ACMG Guidelines, 2015. Collection method: clinical testing. Allele origin: germline. Affected: no.

Illumina Laboratory Services, Illumina
Classification: Uncertain significance for Deficiency of alpha-mannosidase. Last evaluated: 2017-04-27. Review status: criteria provided, single submitter. Criteria: ICSL Variant Classification Criteria 13 December 2019. Collection method: clinical testing. Allele origin: germline.

NM_000528.4(MAN2B1):c.2661G>A (p.Thr887=)

Gene: MAN2B1 (mannosidase alpha class 2B member 1; minus strand). Cytogenetic location: 19p13.13.
Variant type: single nucleotide variant.
Coding change: c.2661G>A on transcript NM_000528.4 (MANE Select); coding-DNA position 2661, G replaced by A.
Protein change: p.Thr887=; no amino-acid change (threonine 887 retained).
Molecular consequence: synonymous variant.
Genome position (GRCh38, 1-based): chr19:12,648,178, C>T on the plus strand (G>A on the coding strand, the complement: MAN2B1 is on the minus strand). VCF-style: chr19-12648178-C-T. GRCh37 (hg19) VCF-style: chr19-12758992-C-T.
Other names: c.2658G>A, p.Thr886= (NM_001173498.2).
Identifiers: ClinVar variation 891132 (VCV000891132.39), dbSNP rs775212002, ClinGen allele CA9225968.